The following is an entry in ClinVar:

ClinVar aggregate classification (germline): Uncertain significance (1 of 4 stars; one submission).

Conditions:
Oto-palato-digital syndrome, type II (OPD2). Also called: Otopalatodigital Syndrome Type 2 (FLNA-OPD2); Otopalatodigital Syndrome, Type II; FACIOPALATOOSSEOUS SYNDROME; OPD II SYNDROME. Identifiers: Orphanet 669, Orphanet 90652, MedGen C1844696, MONDO:0010571, OMIM 304120.
Frontometaphyseal dysplasia (FMD1). Identifiers: Orphanet 1826, MedGen C0265293, MONDO:0015942.
Melnick-Needles syndrome (MNS). Also called: Melnick-Needles Syndrome (FLNA-MNS); MELNICK-NEEDLES OSTEODYSPLASTY; OSTEODYSPLASTY OF MELNICK AND NEEDLES. Identifiers: Orphanet 2484, MedGen C0025237, MONDO:0010650, OMIM 309350.
Heterotopia, periventricular, X-linked dominant (PVNH1). Also called: PERIVENTRICULAR NODULAR HETEROTOPIA 4; HETEROTOPIA, PERIVENTRICULAR, 1; X-linked periventricular heterotopia; PERIVENTRICULAR NODULAR HETEROTOPIA 1. Identifiers: Orphanet 2149, Orphanet 82004, MedGen C1848213, MONDO:0010233, OMIM 300049.

Allele frequency attached by ClinVar (database versions not stated): gnomAD exomes below 0.00001.

Submission:

Labcorp Genetics (formerly Invitae), Labcorp
Classification: Uncertain significance for Oto-palato-digital syndrome, type II; Heterotopia, periventricular, X-linked dominant; Frontometaphyseal dysplasia; Melnick-Needles syndrome. Last evaluated: 2021-12-13. Review status: criteria provided, single submitter. Criteria: Invitae Variant Classification Sherloc (09022015). Collection method: clinical testing. Allele origin: germline.
Comment: In summary, the available evidence is currently insufficient to determine the role of this variant in disease. Therefore, it has been classified as a Variant of Uncertain Significance. Advanced modeling of protein sequence and biophysical properties (such as structural, functional, and spatial information, amino acid conservation, physicochemical variation, residue mobility, and thermodynamic stability) performed at Invitae indicates that this missense variant is not expected to disrupt FLNA protein function. This variant has not been reported in the literature in individuals affected with FLNA-related conditions. This variant is present in population databases (no rsID available, gnomAD 0.001%). This sequence change replaces threonine, which is neutral and polar, with isoleucine, which is neutral and non-polar, at codon 2531 of the FLNA protein (p.Thr2531Ile).

NM_001110556.2(FLNA):c.7616C>T (p.Thr2539Ile)

Genes: FLNA (filamin A; minus strand), LOC107988032 (Xq28 proximal FLNA-EMD recombination region; plus strand). Cytogenetic location: Xq28.
Variant type: single nucleotide variant.
Coding change: c.7616C>T on transcript NM_001110556.2 (MANE Select); coding-DNA position 7616, C replaced by T.
Protein change: p.Thr2539Ile; replaces threonine 2539 with isoleucine.
Molecular consequence: missense variant.
Genome position (GRCh38, 1-based): chrX:154,349,502, G>A on the plus strand (C>T on the coding strand, the complement: FLNA is on the minus strand). VCF-style: chrX-154349502-G-A. GRCh37 (hg19) VCF-style: chrX-153577870-G-A.
Other names: c.7592C>T, p.Thr2531Ile (NM_001456.4); short protein forms T2531I, T2539I.
Identifiers: ClinVar variation 2145919 (VCV002145919.4), dbSNP rs1557175301, ClinGen allele CA415180590.
Genomic context (GRCh38, chrX:154,349,502, plus strand): 5'-TTGCTGGCGTCAGCAGGCCCAGGACCCGGGGCCCCATGCTGGGGGGCACAGGTGGCCTTG[G>A]TCAGAGAGTCTACAAACACTGATGATGTCTCGTGGAGGCTGTGGTTGCTGACGAGACGGG-3'
Protein context (NP_001104026.1, residues 2529-2549): ETSSVFVDSL[Thr2539Ile]KATCAPQHGA